The following is an entry in ClinVar:

ClinVar aggregate classification (germline): Uncertain significance (1 of 4 stars; one submission).

Allele frequency attached by ClinVar (database versions not stated): gnomAD 0.00001 and 0.00003; ExAC 0.00002; gnomAD exomes 0.00002; TOPMed 0.00002; 1000 Genomes Project 30x 0.00016; 1000 Genomes Project 0.00020.
gnomAD v4.1: 31 of 1,612,074 alleles (0.0019%); highest among the groups gnomAD compares: Middle Eastern, 0.017%; no homozygotes.

Submission:

Labcorp Genetics (formerly Invitae), Labcorp
Classification: Uncertain significance. Last evaluated: 2024-10-25. Review status: criteria provided, single submitter. Criteria: Invitae Variant Classification Sherloc (09022015). Collection method: clinical testing. Allele origin: germline.
Comment: This sequence change replaces arginine, which is basic and polar, with histidine, which is basic and polar, at codon 1437 of the ASPM protein (p.Arg1437His). This variant is present in population databases (rs576920584, gnomAD 0.01%). This variant has not been reported in the literature in individuals affected with ASPM-related conditions. ClinVar contains an entry for this variant (Variation ID: 1418160). Invitae Evidence Modeling of protein sequence and biophysical properties (such as structural, functional, and spatial information, amino acid conservation, physicochemical variation, residue mobility, and thermodynamic stability) indicates that this missense variant is not expected to disrupt ASPM protein function with a negative predictive value of 80%. In summary, the available evidence is currently insufficient to determine the role of this variant in disease. Therefore, it has been classified as a Variant of Uncertain Significance.

NM_018136.5(ASPM):c.4310G>A (p.Arg1437His)

Gene: ASPM (assembly factor for spindle microtubules; minus strand). Cytogenetic location: 1q31.3.
Variant type: single nucleotide variant.
Coding change: c.4310G>A on transcript NM_018136.5 (MANE Select); coding-DNA position 4310, G replaced by A.
Protein change: p.Arg1437His; replaces arginine 1437 with histidine.
Molecular consequence: missense variant. On other transcripts: intron variant (1).
Genome position (GRCh38, 1-based): chr1:197,104,941, C>T on the plus strand (G>A on the coding strand, the complement: ASPM is on the minus strand). VCF-style: chr1-197104941-C-T. GRCh37 (hg19) VCF-style: chr1-197074071-C-T.
Other names: c.4066-8777G>A (NM_001206846.2); short protein forms R1437H.
Identifiers: ClinVar variation 1418160 (VCV001418160.4), dbSNP rs576920584, ClinGen allele CA1309953.